The following is an entry in ClinVar:

ClinVar aggregate classification (germline): Conflicting classifications of pathogenicity. Review status: criteria provided, conflicting classifications (1 of 4 stars). 11 submissions from 11 submitters: Uncertain significance (2); Likely benign (9). Last evaluated 2026-02-13.

Conditions:
Immunodeficiency, common variable, 4. Also called: ANTIBODY DEFICIENCY DUE TO BAFFR DEFECT. Identifiers: Orphanet 1572, Orphanet 696925, MedGen C3150739, MONDO:0013284, OMIM 613494.
Immunodeficiency, common variable, 2 (CVID2). Also called: HYPOGAMMAGLOBULINEMIA DUE TO TACI DEFICIENCY; ANTIBODY DEFICIENCY DUE TO TACI DEFECT. Identifiers: Orphanet 1572, MedGen C3150354, MONDO:0009413, OMIM 240500.

Allele frequency attached by ClinVar (database versions not stated): 1000 Genomes Project 30x 0.00016; 1000 Genomes Project 0.00020; gnomAD exomes 0.00181; gnomAD 0.00192 and 0.00202; ExAC 0.00195; TOPMed 0.00206; ESP Exome Variant Server 0.00240.

Submissions (11):

Women's Health and Genetics/Laboratory Corporation of America, LabCorp
Classification: Likely benign. Last evaluated: 2026-02-13. Review status: criteria provided, single submitter. Criteria: LabCorp Variant Classification Summary - May 2015. Collection method: clinical testing. Allele origin: germline.
Comment: Variant summary: TNFRSF13C c.317G>A (p.Arg106Gln) results in a conservative amino acid change in the encoded protein sequence. Algorithms developed to predict the effect of missense changes on protein structure and function all suggest that this variant is likely to be tolerated. The variant allele was found at a frequency of 0.0034 in 1611928 control chromosomes in the gnomAD database, including 16 homozygotes. The observed variant frequency exceeds the estimated maximal expected allele frequency for disease-causing variants in TNFRSF13C. To our knowledge, c.317G>A has not been observed in individual(s) affected with Immunodeficiency, common variable, 4 and no experimental evidence demonstrating an impact on protein function has been reported. ClinVar contains an entry for this variant (Variation ID: 341877). Based on the evidence outlined above, the variant was classified as likely benign.

Labcorp Genetics (formerly Invitae), Labcorp
Classification: Likely benign for Immunodeficiency, common variable, 4. Last evaluated: 2026-02-03. Review status: criteria provided, single submitter. Criteria: Invitae Variant Classification Sherloc (09022015). Collection method: clinical testing. Allele origin: germline.

CeGaT Center for Human Genetics Tuebingen
Classification: Likely benign. Last evaluated: 2026-01-01. Review status: criteria provided, single submitter. Criteria: CeGaT Center For Human Genetics Tuebingen Variant Classification Criteria Version 2. Collection method: clinical testing. Allele origin: germline. Affected: yes. Observed: 2 variant alleles.
Comment: TNFRSF13C: BS2

Blueprint Genetics
Classification: Likely benign. Last evaluated: 2024-11-12. Review status: criteria provided, single submitter. Criteria: ACMG Guidelines, 2015. Collection method: clinical testing. Allele origin: germline.

Center for Genomics, Ann and Robert H. Lurie Children's Hospital of Chicago
Classification: Likely benign for Immunodeficiency, common variable, 4. Last evaluated: 2022-04-26. Review status: criteria provided, single submitter. Criteria: ACMG Guidelines, 2015. Collection method: clinical testing. Allele origin: germline.
Comment: TNFRSF13C NM_052945.3 exon 2 p.Arg106Gln (c.317G>A): This variant has not been reported in the literature but is present in the Genome Aggregation Database (Highest reported MAF 0.3% (237/68040). This variant is present in ClinVar, with several labs classifying this variant as Likely Benign (Variation ID:341877). This variant amino acid Glutamine (Gln) is present in several species including multiple mammals and is not well conserved among evolutionarily distant species; this suggests that this variant may not impact the protein. Additional computational prediction tools do not suggest an impact. In summary, data on this variant suggests that this variant does not cause disease but requires further evidence. Therefore, this variant is classified as likely benign.

ARUP Laboratories, Molecular Genetics and Genomics, ARUP Laboratories
Classification: Likely benign for Immunodeficiency, common variable, 4. Last evaluated: 2020-06-28. Review status: criteria provided, single submitter. Criteria: ARUP Molecular Germline Variant Investigation Process. Collection method: clinical testing. Allele origin: germline.

Centre for Mendelian Genomics, University Medical Centre Ljubljana
Classification: Uncertain significance for Immunodeficiency, common variable, 2. Last evaluated: 2018-10-26. Review status: criteria provided, single submitter. Criteria: ACMG Guidelines, 2015. Collection method: clinical testing. Allele origin: unknown. Affected: yes.
Comment: This variant was classified as: Uncertain significance. The available evidence on this variant's pathogenicity is insufficient or conflicting. The following ACMG criteria were applied in classifying this variant: PM2.

GeneDx
Classification: Likely benign. Last evaluated: 2018-01-17. Review status: criteria provided, single submitter. Criteria: GeneDx Variant Classification (06012015). Collection method: clinical testing. Allele origin: germline. Affected: yes.
Comment: This variant is considered likely benign or benign based on one or more of the following criteria: it is a conservative change, it occurs at a poorly conserved position in the protein, it is predicted to be benign by multiple in silico algorithms, and/or has population frequency not consistent with disease.

Illumina Laboratory Services, Illumina
Classification: Uncertain significance for Immunodeficiency, common variable, 4. Last evaluated: 2018-01-13. Review status: criteria provided, single submitter. Criteria: ICSL Variant Classification Criteria 13 December 2019. Collection method: clinical testing. Allele origin: germline.

Genome Diagnostics Laboratory, University Medical Center Utrecht
Classification: Likely benign for Immunodeficiency, common variable, 4. Last evaluated: 2017-07-28. Review status: criteria provided, single submitter. Criteria: ACGS Guidelines, 2013. Collection method: clinical testing. Allele origin: germline. Affected: yes. Study: VKGL Data-share Consensus.

Clinical Genetics DNA and cytogenetics Diagnostics Lab, Erasmus MC, Erasmus Medical Center
Classification: Likely benign for Immunodeficiency, common variable, 4. Last evaluated: 2017-06-21. Review status: criteria provided, single submitter. Criteria: ACGS Guidelines, 2013. Collection method: clinical testing. Allele origin: germline. Affected: yes. Study: VKGL Data-share Consensus.

Literature cited by the submitters: PubMed 22699762 (cited by Women's Health and Genetics/Laboratory Corporation of America, LabCorp).

NM_052945.4(TNFRSF13C):c.317G>A (p.Arg106Gln)

Genes: TNFRSF13C (TNF receptor superfamily member 13C; minus strand), LOC130067574 (ATAC-STARR-seq lymphoblastoid silent region 13813; plus strand). Cytogenetic location: 22q13.2.
Variant type: single nucleotide variant.
Coding change: c.317G>A on transcript NM_052945.4 (MANE Select); coding-DNA position 317, G replaced by A.
Protein change: p.Arg106Gln; replaces arginine 106 with glutamine.
Molecular consequence: missense variant.
Genome position (GRCh38, 1-based): chr22:41,926,151, C>T on the plus strand (G>A on the coding strand, the complement: TNFRSF13C is on the minus strand). VCF-style: chr22-41926151-C-T. GRCh37 (hg19) VCF-style: chr22-42322155-C-T.
Other names: short protein forms R106Q.
Identifiers: ClinVar variation 341877 (VCV000341877.52), dbSNP rs150374940, ClinGen allele CA10262484.